The following is an entry in ClinVar:

NM_001845.6(COL4A1):c.2690G>T (p.Gly897Val)

Gene: COL4A1 (collagen type IV alpha 1 chain; minus strand). Cytogenetic location: 13q34.
Variant type: single nucleotide variant.
Coding change: c.2690G>T on transcript NM_001845.6 (MANE Select); coding-DNA position 2690, G replaced by T.
Protein change: p.Gly897Val; replaces glycine 897 with valine.
Molecular consequence: missense variant.
Genome position (GRCh38, 1-based): chr13:110,177,868, C>A on the plus strand (G>T on the coding strand, the complement: COL4A1 is on the minus strand). VCF-style: chr13-110177868-C-A. GRCh37 (hg19) VCF-style: chr13-110830215-C-A.
Other names: short protein forms G897V.
Identifiers: ClinVar variation 1711367 (VCV001711367.30), dbSNP rs2501779464, ClinGen allele CA388667447.

ClinVar aggregate classification (germline): Pathogenic (1 of 4 stars; one submission).

Submission:

CeGaT Center for Human Genetics Tuebingen
Classification: Pathogenic. Last evaluated: 2022-08-01. Review status: criteria provided, single submitter. Criteria: CeGaT Center For Human Genetics Tuebingen Variant Classification Criteria Version 2. Collection method: clinical testing. Allele origin: germline. Affected: yes. Observed: 1 variant allele.
Comment: COL4A1: PM1:Strong, PM2, PM5, PS2:Moderate, PP3